The following is an entry in ClinVar:

ClinVar aggregate classification (germline): Benign/Likely benign. Review status: criteria provided, multiple submitters, no conflicts (2 of 4 stars). 2 submissions from 2 submitters: Benign (1); Likely benign (1). Last evaluated 2025-10-28.

Conditions:
ADGRV1-related disorder. Also called: ADGRV1-related condition; ADGRV1-related disorders.

Allele frequency attached by ClinVar (database versions not stated): gnomAD exomes below 0.00001 and 0.00001; ExAC 0.00001; gnomAD 0.00003; TOPMed 0.00005.
gnomAD v4.1: 10 of 1,612,512 alleles (0.00062%); highest among the groups gnomAD compares: African/African-American, 0.011%; no homozygotes.

Submissions (2):

Labcorp Genetics (formerly Invitae), Labcorp
Classification: Benign. Last evaluated: 2025-10-28. Review status: criteria provided, single submitter. Criteria: Invitae Variant Classification Sherloc (09022015). Collection method: clinical testing. Allele origin: germline.

PreventionGenetics, part of Exact Sciences
Classification: Likely benign for ADGRV1-related condition. Last evaluated: 2025-08-18. Review status: criteria provided, single submitter. Criteria: ACMG Guidelines, 2015. Collection method: clinical testing. Allele origin: germline.
Comment: This variant is classified as likely benign based on ACMG/AMP sequence variant interpretation guidelines (Richards et al. 2015 PMID: 25741868, with internal and published modifications).

NM_032119.4(ADGRV1):c.10200A>G (p.Gln3400=)

Gene: ADGRV1 (adhesion G protein-coupled receptor V1; plus strand). Cytogenetic location: 5q14.3.
Variant type: single nucleotide variant.
Coding change: c.10200A>G on transcript NM_032119.4 (MANE Select); coding-DNA position 10200, A replaced by G.
Protein change: p.Gln3400=; no amino-acid change (glutamine 3400 retained).
Molecular consequence: synonymous variant. On other transcripts: non-coding transcript variant (1).
Genome position (GRCh38, 1-based): chr5:90,728,707, A>G. VCF-style: chr5-90728707-A-G. GRCh37 (hg19) VCF-style: chr5-90024524-A-G.
Other names: c.10200A>G (NM_032119.3).
Identifiers: ClinVar variation 1022427 (VCV001022427.7), dbSNP rs760013772, ClinGen allele CA3340704.